The following is an entry in ClinVar:

ClinVar aggregate classification (germline): Pathogenic. Review status: criteria provided, multiple submitters, no conflicts (2 of 4 stars). 8 submissions from 8 submitters: Pathogenic (8). Last evaluated 2026-02-19.

Conditions:
PAX3-related disorder. Also called: PAX3-related condition.
Craniofacial-deafness-hand syndrome (CDHS). Identifiers: Orphanet 1529, MedGen C1852510, MONDO:0007395, OMIM 122880.
Waardenburg syndrome type 1 (WS1). Also called: WAARDENBURG SYNDROME WITH DYSTOPIA CANTHORUM; Waardenburg Syndrome Type I. Identifiers: Orphanet 894, MedGen C1847800, MONDO:0008670, OMIM 193500.
Waardenburg syndrome type 3 (WS3). Also called: KLEIN-WAARDENBURG SYNDROME; Klein-Waardenberg's syndrome; WAARDENBURG SYNDROME WITH UPPER LIMB ANOMALIES. Identifiers: Orphanet 3440, Orphanet 896, MedGen C0079661, MONDO:0007862, OMIM 148820.
Alveolar rhabdomyosarcoma (RMS2). Also called: Alveolar rhabdomyosarcoma (disease); RHABDOMYOSARCOMA 2. Identifiers: Orphanet 780, Orphanet 99756, MedGen C0206655, MONDO:0009994, OMIM 268220, HP:0006779.

Allele frequency attached by ClinVar (database versions not stated): ExAC 0.00002.

Submissions (8):

PreventionGenetics, part of Exact Sciences
Classification: Pathogenic for PAX3-related condition. Last evaluated: 2026-02-19. Review status: criteria provided, single submitter. Criteria: ACMG Guidelines, 2015. Collection method: clinical testing. Allele origin: germline.
Comment: The PAX3 c.812G>A variant is predicted to result in the amino acid substitution p.Arg271His. This variant has previously been reported to be causative for autosomal dominant Waardenburg syndrome type 1 (Tassabehji et al. 1995. PubMed ID: 8589691; Pandya et al. 1996. PubMed ID: 8845842). Two other substitutions at the same amino acid (p.Arg271Cys and p.Arg271Gly) have also been reported to be causative. This variant has not been reported in a large population database, indicating this variant is rare. This variant is interpreted as pathogenic.

Labcorp Genetics (formerly Invitae), Labcorp
Classification: Pathogenic. Last evaluated: 2025-07-27. Review status: criteria provided, single submitter. Criteria: Invitae Variant Classification Sherloc (09022015). Collection method: clinical testing. Allele origin: germline.
Comment: This sequence change replaces arginine, which is basic and polar, with histidine, which is basic and polar, at codon 271 of the PAX3 protein (p.Arg271His). This variant is not present in population databases (gnomAD no frequency). This missense change has been observed in individuals with Waardenburg syndrome (PMID: 8589691, 9654197, 20478267). ClinVar contains an entry for this variant (Variation ID: 279964). Invitae Evidence Modeling of protein sequence and biophysical properties (such as structural, functional, and spatial information, amino acid conservation, physicochemical variation, residue mobility, and thermodynamic stability) indicates that this missense variant is expected to disrupt PAX3 protein function with a positive predictive value of 80%. This variant disrupts the p.Arg271 amino acid residue in PAX3. Other variant(s) that disrupt this residue have been determined to be pathogenic (PMID: 8589691, 8799378, 9654197, 20199465). This suggests that this residue is clinically significant, and that variants that disrupt this residue are likely to be disease-causing. For these reasons, this variant has been classified as Pathogenic.

Blueprint Genetics
Classification: Pathogenic for PAX3-related disorders. Last evaluated: 2024-11-05. Review status: criteria provided, single submitter. Criteria: ACMG Guidelines, 2015. Collection method: clinical testing. Allele origin: germline. Affected: yes. Observed: 5 variant alleles.

GeneDx
Classification: Pathogenic. Last evaluated: 2023-06-07. Review status: criteria provided, single submitter. Criteria: GeneDx Variant Classification Process June 2021. Collection method: clinical testing. Allele origin: germline. Affected: yes.
Comment: Not observed at significant frequency in large population cohorts (gnomAD); In silico analysis supports that this missense variant has a deleterious effect on protein structure/function; This variant is associated with the following publications: (PMID: 10868211, 8845842, 21867959, 9279758, 9654197, 20478267, 15726414, 30973918, 32747562, 34142234, Lee2022[paper], 8589691, 36331148, 31427586)

Fulgent Genetics
Classification: Pathogenic for Craniofacial-deafness-hand syndrome; Waardenburg syndrome type 3; Waardenburg syndrome type 1; Alveolar rhabdomyosarcoma. Last evaluated: 2022-04-19. Review status: criteria provided, single submitter. Criteria: ACMG Guidelines, 2015. Collection method: clinical testing. Allele origin: unknown.

King Laboratory, University of Washington
Classification: Pathogenic for Waardenburg syndrome type 1. Last evaluated: 2020-08-01. Review status: criteria provided, single submitter. Criteria: Abu Rayyan A et al. (Proc Natl Acad Sci U S A 2020). Collection method: research. Allele origin: germline. Affected: yes.
Comment: PAX3 c.812G>A, p.R271H alters a residue of PAX3 conserved throughout all sequenced vertebreates and has been reported multiple times as a pathogenic variant.

Genetic Testing Center for Deafness, Department of Otolaryngology Head & Neck Surgery, Institute of Otolaryngology, Chinese PLA General Hospital
Classification: Pathogenic for Waardenburg syndrome type 1. Last evaluated: 2019-01-01. Review status: criteria provided, single submitter. Criteria: ACMG Guidelines, 2015. Collection method: clinical testing. Allele origin: inherited. Affected: yes.

Center for Human Genetics, Inc
Classification: Pathogenic for Waardenburg syndrome type 1. Last evaluated: 2016-11-01. Review status: criteria provided, single submitter. Criteria: ACMG Guidelines, 2015. Collection method: clinical testing. Allele origin: germline. Affected: yes.

Literature cited by the submitters: PubMed 8589691 (cited by Labcorp Genetics (formerly Invitae), Labcorp); PubMed 9654197 (cited by Labcorp Genetics (formerly Invitae), Labcorp); PubMed 20478267 (cited by Labcorp Genetics (formerly Invitae), Labcorp); PubMed 8799378 (cited by Labcorp Genetics (formerly Invitae), Labcorp); PubMed 20199465 (cited by Labcorp Genetics (formerly Invitae), Labcorp).

NM_181458.4(PAX3):c.812G>A (p.Arg271His)

Gene: PAX3 (paired box 3; minus strand). Cytogenetic location: 2q36.1.
Variant type: single nucleotide variant.
Coding change: c.812G>A on transcript NM_181458.4 (MANE Select); coding-DNA position 812, G replaced by A.
Protein change: p.Arg271His; replaces arginine 271 with histidine.
Molecular consequence: missense variant.
Genome position (GRCh38, 1-based): chr2:222,221,368, C>T on the plus strand (G>A on the coding strand, the complement: PAX3 is on the minus strand). VCF-style: chr2-222221368-C-T. GRCh37 (hg19) VCF-style: chr2-223086087-C-T.
Other names: NM_181458.3:c.812G>A, p.(Arg271His); c.809G>A, p.Arg270His (NM_001127366.3); c.812G>A, p.Arg271His (NM_181457.4, NM_181459.4, NM_181460.4 and 1 more transcripts); short protein forms R271H, R270H.
Identifiers: ClinVar variation 279964 (VCV000279964.18), dbSNP rs774528745, ClinGen allele CA2135564.